The following is an entry in ClinVar:

NM_033109.5(PNPT1):c.1074-4A>T

Gene: PNPT1 (polyribonucleotide nucleotidyltransferase 1; minus strand). Cytogenetic location: 2p16.1.
Variant type: single nucleotide variant.
Coding change: c.1074-4A>T on transcript NM_033109.5 (MANE Select); 4 bases into the intron before coding-DNA position 1074, A replaced by T.
Molecular consequence: intron variant.
Genome position (GRCh38, 1-based): chr2:55,667,097, T>A on the plus strand (A>T on the coding strand, the complement: PNPT1 is on the minus strand). VCF-style: chr2-55667097-T-A. GRCh37 (hg19) VCF-style: chr2-55894232-T-A.
Identifiers: ClinVar variation 378406 (VCV000378406.38), dbSNP rs146742085, ClinGen allele CA1668227.

ClinVar aggregate classification (germline): Benign/Likely benign. Review status: criteria provided, multiple submitters, no conflicts (2 of 4 stars). 6 submissions from 6 submitters: Benign (3); Likely benign (3). Last evaluated 2026-01-27.

Allele frequency attached by ClinVar (database versions not stated): gnomAD 0.00287; 1000 Genomes Project 30x 0.00359; TOPMed 0.00379; ESP Exome Variant Server 0.00384; 1000 Genomes Project 0.00399.
gnomAD v4.1: 1,553 of 1,605,358 alleles (0.097%); highest among the groups gnomAD compares: African/African-American, 1.1%; 5 homozygotes.

Submissions (6):

Labcorp Genetics (formerly Invitae), Labcorp
Classification: Benign. Last evaluated: 2026-01-27. Review status: criteria provided, single submitter. Criteria: Invitae Variant Classification Sherloc (09022015). Collection method: clinical testing. Allele origin: germline.

CeGaT Center for Human Genetics Tuebingen
Classification: Likely benign. Last evaluated: 2025-12-01. Review status: criteria provided, single submitter. Criteria: CeGaT Center For Human Genetics Tuebingen Variant Classification Criteria Version 2. Collection method: clinical testing. Allele origin: germline. Affected: yes. Observed: 5 variant alleles.
Comment: PNPT1: BP4, BS1

Genomic Medicine Center of Excellence, King Faisal Specialist Hospital and Research Centre
Classification: Likely benign. Last evaluated: 2025-08-18. Review status: criteria provided, single submitter. Criteria: ACMG Guidelines, 2015. Collection method: clinical testing. Allele origin: germline.

Blueprint Genetics
Classification: Likely benign. Last evaluated: 2024-11-25. Review status: criteria provided, single submitter. Criteria: ACMG Guidelines, 2015. Collection method: clinical testing. Allele origin: germline.

GeneDx
Classification: Benign. Last evaluated: 2015-04-16. Review status: criteria provided, single submitter. Criteria: GeneDx Variant Classification (06012015). Collection method: clinical testing. Allele origin: germline. Affected: yes.
Comment: This variant is considered likely benign or benign based on one or more of the following criteria: it is a conservative change, it occurs at a poorly conserved position in the protein, it is predicted to be benign by multiple in silico algorithms, and/or has population frequency not consistent with disease.

Breakthrough Genomics
Classification: Benign. Review status: criteria provided, single submitter. Criteria: ACMG Guidelines, 2015. Collection method: not provided. Allele origin: germline. Inheritance: Autosomal recessive inheritance. Affected: yes.